The following is an entry in ClinVar:

ClinVar aggregate classification (germline): Pathogenic. Review status: criteria provided, multiple submitters, no conflicts (2 of 4 stars). 3 submissions from 3 submitters: Pathogenic (3). Last evaluated 2025-09-01.

Conditions:
Perrault syndrome 3 (PRLTS3). Identifiers: Orphanet 2855, MedGen C3808414, MONDO:0013588, OMIM 614129.

Allele frequency attached by ClinVar (database versions not stated): gnomAD exomes below 0.00001; gnomAD 0.00001; TOPMed 0.00001.

Submissions (3):

CeGaT Center for Human Genetics Tuebingen
Classification: Pathogenic. Last evaluated: 2025-09-01. Review status: criteria provided, single submitter. Criteria: CeGaT Center For Human Genetics Tuebingen Variant Classification Criteria Version 2. Collection method: clinical testing. Allele origin: germline. Affected: yes. Observed: 1 variant allele.
Comment: CLPP: PVS1:Strong, PM2, PM3, PP1:Moderate

Labcorp Genetics (formerly Invitae), Labcorp
Classification: Pathogenic. Last evaluated: 2022-04-30. Review status: criteria provided, single submitter. Criteria: Invitae Variant Classification Sherloc (09022015). Collection method: clinical testing. Allele origin: germline.
Comment: This sequence change creates a premature translational stop signal (p.Ala10Profs*117) in the CLPP gene. It is expected to result in an absent or disrupted protein product. Loss-of-function variants in CLPP are known to be pathogenic (PMID: 23851121, 27899912). For these reasons, this variant has been classified as Pathogenic. This premature translational stop signal has been observed in individual(s) with Perrault syndrome (PMID: 27899912). This variant is not present in population databases (gnomAD no frequency).

Kasturba Medical College, Manipal, Kasturba Medical College, Manipal, Manipal Academy of Higher Education, Manipal, India
Classification: Pathogenic for Perrault syndrome 3. Review status: criteria provided, single submitter. Criteria: ACMG Guidelines, 2015. Collection method: research. Allele origin: biparental. Inheritance: Autosomal recessive inheritance. Affected: yes. Observed: 1 homozygote.
Comment: This variant is observed heterozygous state in 6 individuals in gnomAD (v4.1.0) population database (allele frequency:0.000004247). The variant c.21del is absent in our in-house data of 3479 exomes.

Literature cited by the submitters: PubMed 23851121 (cited by Labcorp Genetics (formerly Invitae), Labcorp); PubMed 27899912 (cited by Labcorp Genetics (formerly Invitae), Labcorp); PubMed 31455392 (cited by Kasturba Medical College, Manipal, Kasturba Medical College, Manipal, Manipal Academy of Higher Education, Manipal, India).

NM_006012.4(CLPP):c.21del (p.Ala10fs)

Gene: CLPP (caseinolytic mitochondrial matrix peptidase proteolytic subunit; plus strand). Cytogenetic location: 19p13.3.
Variant type: Deletion.
Coding change: c.21del on transcript NM_006012.4 (MANE Select); coding-DNA position 21, one base deleted (A; older notation c.21delA).
Protein change: p.Ala10fs; shifts the reading frame from alanine 10.
Molecular consequence: frameshift variant.
Genome position (GRCh38, 1-based): chr19:6,361,595, A deleted. VCF-style (leftmost placement, unchanged base first): chr19-6361594-TA-T. GRCh37 (hg19) VCF-style: chr19-6361605-TA-T.
Other names: short protein forms A10fs.
Identifiers: ClinVar variation 2138190 (VCV002138190.13), dbSNP rs756490492, ClinGen allele CA304753472.